The following is an entry in ClinVar:

ClinVar aggregate classification (germline): Conflicting classifications of pathogenicity. Review status: criteria provided, conflicting classifications (1 of 4 stars). 3 submissions from 3 submitters: Likely pathogenic (1); Uncertain significance (2). Last evaluated 2025-09-16.

Conditions:
Leukoencephalopathy, diffuse hereditary, with spheroids 1 (HDLS1). Also called: DEMENTIA, FAMILIAL, NEUMANN TYPE; SUBCORTICAL GLIOSIS OF NEUMANN; CSF1R-related adult-onset leukoencephalopathy with axonal spheroids and pigmented glia. Identifiers: Orphanet 313808, MedGen C5561929, MONDO:0800027, OMIM 221820.

Submissions (3):

Victorian Clinical Genetics Services, Murdoch Childrens Research Institute
Classification: Likely pathogenic for Leukoencephalopathy, diffuse hereditary, with spheroids 1. Last evaluated: 2025-09-16. Review status: criteria provided, single submitter. Criteria: ACMG Guidelines, 2015. Collection method: clinical testing. Allele origin: germline. Affected: yes.
Comment: This variant is classified as Likely pathogenic. Evidence in support of pathogenic classification: Variant is absent from gnomAD (v2, v3 and v4); Another missense variant comparable to the one identified in this case has moderate previous evidence for pathogenicity. The p.(Leu845Pro) variant has been reported in the literature in individuals with leukoencephalopathy (PMIDs: 30115677, 35389179); Missense variant predicted to be damaging by in silico tool(s) or highly conserved with a major amino acid change. Additional information: Variant is predicted to result in a missense amino acid change from Leu to Phe; This variant is heterozygous; This gene is associated with both recessive and dominant disease (OMIM); Previous evidence of pathogenicity for this variant is inconclusive. This variant has been classified as a VUS by clinical laboratories in ClinVar. It has been reported in the literature in a heterozygous state in an individual with CSF1R-related features, alongside another heterozygous variant in CSF1R; however, phasing of the two variants was not performed (Jethva, R. et al. 2025); No published evidence of segregation with disease has been identified for this variant; No published functional evidence has been identified for this variant; Variant is located in the annotated protein tyrosine and serine/threonine kinase domain (DECIPHER); Loss of function is a known mechanism of disease in this gene and is associated with brain abnormalities, neurodegeneration, and dysosteosclerosis (MIM#618476). Both haploinsufficiency and a dominant negative mechanism have been reported in association with leukoencephalopathy, diffuse hereditary, with spheroids 1 (MIM#221820; OMIM, PMIDs: 24336230, 31330095, 30982609); The condition associated with this gene has incomplete penetrance. Healthy individuals with heterozygous variants known to be causative for leukoencephalopathy, diffuse hereditary, with spheroids 1 (MIM#221820), have been reported who are older than the expected age of onset (PMID: 34145972); Inheritance information for this variant is not currently available in this individual.

GeneDx
Classification: Uncertain significance. Last evaluated: 2023-06-29. Review status: criteria provided, single submitter. Criteria: GeneDx Variant Classification Process June 2021. Collection method: clinical testing. Allele origin: germline. Affected: yes.
Comment: Not observed at significant frequency in large population cohorts (gnomAD); In silico analysis supports that this missense variant has a deleterious effect on protein structure/function; Has not been previously published as pathogenic or benign to our knowledge

Labcorp Genetics (formerly Invitae), Labcorp
Classification: Uncertain significance. Last evaluated: 2023-01-12. Review status: criteria provided, single submitter. Criteria: Invitae Variant Classification Sherloc (09022015). Collection method: clinical testing. Allele origin: germline.
Comment: In summary, the available evidence is currently insufficient to determine the role of this variant in disease. Therefore, it has been classified as a Variant of Uncertain Significance. Advanced modeling of protein sequence and biophysical properties (such as structural, functional, and spatial information, amino acid conservation, physicochemical variation, residue mobility, and thermodynamic stability) has been performed at Invitae for this missense variant, however the output from this modeling did not meet the statistical confidence thresholds required to predict the impact of this variant on CSF1R protein function. ClinVar contains an entry for this variant (Variation ID: 1514431). This variant has not been reported in the literature in individuals affected with CSF1R-related conditions. This variant is not present in population databases (gnomAD no frequency). This sequence change replaces leucine, which is neutral and non-polar, with phenylalanine, which is neutral and non-polar, at codon 845 of the CSF1R protein (p.Leu845Phe).

Literature cited by the submitters: PubMed 24336230 (cited by Victorian Clinical Genetics Services, Murdoch Childrens Research Institute); PubMed 30115677 (cited by Victorian Clinical Genetics Services, Murdoch Childrens Research Institute); PubMed 31330095 (cited by Victorian Clinical Genetics Services, Murdoch Childrens Research Institute); PubMed 35389179 (cited by Victorian Clinical Genetics Services, Murdoch Childrens Research Institute); PubMed 34145972 (cited by Victorian Clinical Genetics Services, Murdoch Childrens Research Institute); PubMed 30982609 (cited by Victorian Clinical Genetics Services, Murdoch Childrens Research Institute).

NM_001288705.3(CSF1R):c.2533C>T (p.Leu845Phe)

Gene: CSF1R (colony stimulating factor 1 receptor; minus strand). Cytogenetic location: 5q32.
Variant type: single nucleotide variant.
Coding change: c.2533C>T on transcript NM_001288705.3 (MANE Select); coding-DNA position 2533, C replaced by T.
Protein change: p.Leu845Phe; replaces leucine 845 with phenylalanine.
Molecular consequence: missense variant. On other transcripts: non-coding transcript variant (2).
Genome position (GRCh38, 1-based): chr5:150,056,047, G>A on the plus strand (C>T on the coding strand, the complement: CSF1R is on the minus strand). VCF-style: chr5-150056047-G-A. GRCh37 (hg19) VCF-style: chr5-149435610-G-A.
Other names: c.2533C>T, p.Leu845Phe (NM_001349736.2, NM_001375320.1, NM_005211.4); c.2089C>T, p.Leu697Phe (NM_001375321.1); c.2533C>T (NM_005211.3); short protein forms L697F, L845F.
Identifiers: ClinVar variation 1514431 (VCV001514431.11), dbSNP rs2113778146, ClinGen allele CA361758327.